The following is an entry in ClinVar:

Conditions:
Arteriohepatic dysplasia. Also called: Alagille Syndrome. Identifiers: Orphanet 52, MedGen C0085280, MeSH D016738, MONDO:0007318.

Submission:

Gilbert/Spinner Lab, Children's Hospital of Philadelphia
No classification provided (evidence only). Condition: Alagille syndrome. Review status: no classification provided. Collection method: research. Allele origin: not applicable. Functional consequence: functionally_abnormal.
ClinVar note: "not provided" was previously submitted as the classification for the variant. However, the classification appeared to be based only on an observation of functional data so it was converted to no classification on 2025-07-30.

NM_000214.3(JAG1):c.971G>T (p.Cys324Phe)

Gene: JAG1 (jagged canonical Notch ligand 1; minus strand). Cytogenetic location: 20p12.2.
Variant type: single nucleotide variant.
Coding change: c.971G>T on transcript NM_000214.3 (MANE Select); coding-DNA position 971, G replaced by T.
Protein change: p.Cys324Phe; replaces cysteine 324 with phenylalanine.
Molecular consequence: missense variant.
Genome position (GRCh38, 1-based): chr20:10,652,166, C>A on the plus strand (G>T on the coding strand, the complement: JAG1 is on the minus strand). VCF-style: chr20-10652166-C-A. GRCh37 (hg19) VCF-style: chr20-10632814-C-A.
Other names: short protein forms C324F.
Identifiers: ClinVar variation 3573204 (VCV003573204.2).